The following is an entry in ClinVar:

ClinVar aggregate classification (germline): Benign/Likely benign. Review status: criteria provided, multiple submitters, no conflicts (2 of 4 stars). 6 submissions from 6 submitters: Benign (1); Likely benign (4). 1 of the submissions does not count toward it. Last evaluated 2026-01-20.

Conditions:
Maple syrup urine disease type 1B (MSUD1B). Also called: MSUD type IB; MSUD type 3 (formerly); MSUD due to deficiency of e1-beta subunit of branched-chain alpha-keto acid dehydrogenase complex. Identifiers: MedGen C2930990, MONDO:0023692, OMIM 620698.
Maple syrup urine disease (MSUD). Identifiers: Orphanet 511, MedGen C0024776, MeSH D008375, MONDO:0009563. Disease mechanism: loss of function.

Allele frequency attached by ClinVar (database versions not stated): ESP Exome Variant Server 0.00016; gnomAD 0.00019 and 0.00025; TOPMed 0.00023; gnomAD exomes 0.00036 and 0.00061; 1000 Genomes Project 30x 0.00062; 1000 Genomes Project 0.00080; ExAC 0.00193.
gnomAD v4.1: 545 of 1,575,658 alleles (0.035%); highest among the groups gnomAD compares: Middle Eastern, 0.32%; 2 homozygotes.

Submissions (6):

Labcorp Genetics (formerly Invitae), Labcorp
Classification: Benign for Maple syrup urine disease. Last evaluated: 2026-01-20. Review status: criteria provided, single submitter. Criteria: Invitae Variant Classification Sherloc (09022015). Collection method: clinical testing. Allele origin: germline.

Blueprint Genetics
Classification: Likely benign. Last evaluated: 2024-11-18. Review status: criteria provided, single submitter. Criteria: ACMG Guidelines, 2015. Collection method: clinical testing. Allele origin: germline.

GeneDx
Classification: Likely benign. Last evaluated: 2018-02-09. Review status: criteria provided, single submitter. Criteria: GeneDx Variant Classification (06012015). Collection method: clinical testing. Allele origin: germline. Affected: yes.
Comment: This variant is considered likely benign or benign based on one or more of the following criteria: it is a conservative change, it occurs at a poorly conserved position in the protein, it is predicted to be benign by multiple in silico algorithms, and/or has population frequency not consistent with disease.

Illumina Laboratory Services, Illumina
Classification: Likely benign for Maple syrup urine disease type 1A. Last evaluated: 2018-01-12. Review status: criteria provided, single submitter. Criteria: ICSL Variant Classification Criteria 13 December 2019. Collection method: clinical testing. Allele origin: germline.
Comment: This variant was observed in the ICSL laboratory as part of a predisposition screen in an ostensibly healthy population. It had not been previously curated by ICSL or reported in the Human Gene Mutation Database (HGMD: prior to June 1st, 2018), and was therefore a candidate for classification through an automated scoring system. Utilizing variant allele frequency, disease prevalence and penetrance estimates, and inheritance mode, an automated score was calculated to assess if this variant is too frequent to cause the disease. Based on the score and internal cut-off values, a variant classified as likely benign is not then subjected to further curation. The score for this variant resulted in a classification of likely benign for this disease.

Breakthrough Genomics
Classification: Likely benign. Review status: criteria provided, single submitter. Criteria: ACMG Guidelines, 2015. Collection method: not provided. Allele origin: germline. Inheritance: Autosomal recessive inheritance. Affected: yes.

Natera, Inc.
Classification: Likely benign for Maple syrup urine disease type 1B. Last evaluated: 2019-10-24. Review status: no assertion criteria provided. Collection method: clinical testing. Allele origin: germline. Not counted in ClinVar's aggregate classification.

NM_183050.4(BCKDHB):c.63G>T (p.Gly21=)

Gene: BCKDHB (branched chain keto acid dehydrogenase E1 subunit beta; plus strand). Cytogenetic location: 6q14.1.
Variant type: single nucleotide variant.
Coding change: c.63G>T on transcript NM_183050.4 (MANE Select); coding-DNA position 63, G replaced by T.
Protein change: p.Gly21=; no amino-acid change (glycine 21 retained).
Molecular consequence: synonymous variant. On other transcripts: non-coding transcript variant (1), intron variant (1).
Genome position (GRCh38, 1-based): chr6:80,106,756, G>T. VCF-style: chr6-80106756-G-T. GRCh37 (hg19) VCF-style: chr6-80816473-G-T.
Other names: c.63G>T, p.Gly21= (NM_000056.5); c.-15+73G>T (NM_001318975.1).
Identifiers: ClinVar variation 358169 (VCV000358169.18), dbSNP rs368345065, ClinGen allele CA3902489.